The following is an entry in ClinVar:

ClinVar aggregate classification (germline): Uncertain significance (1 of 4 stars; one submission).

Allele frequency attached by ClinVar (database versions not stated): ExAC 0.00001; gnomAD 0.00001; gnomAD exomes 0.00001 and 0.00002; TOPMed 0.00002.
gnomAD v4.1: 18 of 1,613,630 alleles (0.0011%); highest among the groups gnomAD compares: African/African-American, 0.0013%; no homozygotes.

Submission:

Labcorp Genetics (formerly Invitae), Labcorp
Classification: Uncertain significance. Last evaluated: 2023-05-13. Review status: criteria provided, single submitter. Criteria: Invitae Variant Classification Sherloc (09022015). Collection method: clinical testing. Allele origin: germline.
Comment: In summary, the available evidence is currently insufficient to determine the role of this variant in disease. Therefore, it has been classified as a Variant of Uncertain Significance. An algorithm developed to predict the effect of missense changes on protein structure and function (PolyPhen-2) suggests that this variant is likely to be disruptive. ClinVar contains an entry for this variant (Variation ID: 1037182). This variant has not been reported in the literature in individuals affected with OBSL1-related conditions. This variant is present in population databases (rs770552541, gnomAD 0.01%). This sequence change replaces glutamic acid, which is acidic and polar, with lysine, which is basic and polar, at codon 823 of the OBSL1 protein (p.Glu823Lys).

NM_015311.3(OBSL1):c.2467G>A (p.Glu823Lys)

Gene: OBSL1 (obscurin like cytoskeletal adaptor 1; minus strand). Cytogenetic location: 2q35.
Variant type: single nucleotide variant.
Coding change: c.2467G>A on transcript NM_015311.3 (MANE Select); coding-DNA position 2467, G replaced by A.
Protein change: p.Glu823Lys; replaces glutamic acid 823 with lysine.
Molecular consequence: missense variant.
Genome position (GRCh38, 1-based): chr2:219,563,568, C>T on the plus strand (G>A on the coding strand, the complement: OBSL1 is on the minus strand). VCF-style: chr2-219563568-C-T. GRCh37 (hg19) VCF-style: chr2-220428290-C-T.
Other names: c.2467G>A, p.Glu823Lys (NM_001173408.2, NM_001173431.2); short protein forms E823K.
Identifiers: ClinVar variation 1037182 (VCV001037182.7), dbSNP rs770552541, ClinGen allele CA2131206.